The following is an entry in ClinVar:

GRCh37/hg19 12p11.21(chr12:32974270-32977116)x3

Gene: PKP2 (plakophilin 2; minus strand). Cytogenetic location: 12p11.21.
Variant type: copy number gain.
Change: copy number 3 (three copies instead of two) of chr12:32,974,270-32,977,116 (2.8 kb, GRCh37 coordinates, 1-based), cytogenetic band 12p11.21.
Identifiers: ClinVar variation 3767294 (VCV003767294.2).

ClinVar aggregate classification (germline): Pathogenic (1 of 4 stars; one submission).

Conditions:
Arrhythmogenic right ventricular dysplasia 9 (ARVD9). Also called: ARRHYTHMOGENIC RIGHT VENTRICULAR DYSPLASIA, FAMILIAL, 9; Arrhythmogenic Right Ventricular Dysplasia/Cardiomyopathy 9. Identifiers: MedGen C1836906, MONDO:0012180, OMIM 609040.

Submission:

Servicio Canario de Salud, Hospital Universitario Nuestra Sra. de Candelaria
Classification: Pathogenic for Arrhythmogenic right ventricular dysplasia 9. Last evaluated: 2025-02-05. Review status: criteria provided, single submitter. Criteria: ACMG Guidelines, 2015. Collection method: clinical testing. Allele origin: germline. Inheritance: Autosomal dominant inheritance. Affected: yes. Observed: 1 heterozygote.
Comment: The NM_001005242.3:c.(1674+1_1675-1)_(2167+1_2168-1)dup) PKP2 variant has been reported in our laboratory in at least three unrelated families with a clinical diagnosis of arrhythmogenic right ventricular dysplasia (probably with founder effect in Tenerife, Canary Islands). In this case, it is likely that the duplication alters the reading frame of the gene (out-of-frame duplication) and the consequent truncation of the protein.This variant has been reported in ClinVar VCV001513242.5 as likely pathogenic. This variant was absent from large population studies (gnomAD no frequency). In summary, the available evidence for NM_001005242.3:c.(1674+1_1675-1)_(2167+1_2168-1)dup) PKP2 variant meets our criteria to be classified as pathogenic based upon its absence from controls and the clinical correlation in individuals from three unrelated families.